The following is an entry in ClinVar:

NM_001267550.2(TTN):c.52307_52310dup (p.Glu17437delinsAspTer)

Genes: TTN (titin; minus strand), TTN-AS1 (TTN antisense RNA 1; plus strand). Cytogenetic location: 2q31.2.
Variant type: Duplication.
Coding change: c.52307_52310dup on transcript NM_001267550.2 (MANE Select); coding-DNA positions 52307 to 52310, 4 bases duplicated (TTGA; older notation c.52307_52310dupTTGA).
Protein change: p.Glu17437delinsAspTer.
Molecular consequence: nonsense.
Genome position (GRCh38, 1-based): chr2:178,608,701-178,608,704, TCAA duplicated on the plus strand (TTGA on the coding strand, the reverse complement: TTN is on the minus strand); duplicating any 4 consecutive bases within chr2:178,608,701-178,608,707 gives the same sequence; the c. name uses the placement nearest the transcript's 3' end. VCF-style (leftmost placement, unchanged base first): chr2-178608700-T-TTCAA. GRCh37 (hg19) VCF-style: chr2-179473427-T-TTCAA.
Other names: c.25112_25115dupTTGA (NM_003319.4); c.47384_47387dup, p.Glu15796delinsAspTer (NM_001256850.1); c.25112_25115dup, p.Glu8372delinsAspTer (NM_003319.4); c.44603_44606dup, p.Glu14869delinsAspTer (NM_133378.4); c.25487_25490dup, p.Glu8497delinsAspTer (NM_133432.3); c.25688_25691dup, p.Glu8564delinsAspTer (NM_133437.4); c.52307_52310dupTTGA (NM_001267550.2); c.47384_47387dupTTGA (NM_001256850.1).
Identifiers: ClinVar variation 202450 (VCV000202450.17), dbSNP rs794729323, ClinGen allele CA309410.

ClinVar aggregate classification (germline): Pathogenic/Likely pathogenic. Review status: criteria provided, multiple submitters, no conflicts (2 of 4 stars). 7 submissions from 6 submitters: Pathogenic (5); Likely pathogenic (1). 1 of the submissions does not count toward it. Last evaluated 2024-12-15.

Conditions:
Cardiovascular phenotype. Identifiers: MedGen CN230736.
TTN-related disorder. Also called: TTN-related condition; TTN-related disease; TTN-related disorders.
Autosomal recessive limb-girdle muscular dystrophy type 2J (LGMDR10). Also called: MUSCULAR DYSTROPHY, LIMB-GIRDLE, AUTOSOMAL RECESSIVE 10; Limb-girdle muscular dystrophy, type 2J. Identifiers: Orphanet 140922, MedGen C1837342, MONDO:0012127, OMIM 608807.
Dilated cardiomyopathy 1G (CMD1G). Identifiers: Orphanet 154, MedGen C1858763, MONDO:0011400, OMIM 604145.

Submissions (7):

Labcorp Genetics (formerly Invitae), Labcorp
Classification: Pathogenic for Dilated cardiomyopathy 1G; Autosomal recessive limb-girdle muscular dystrophy type 2J. Last evaluated: 2024-12-15. Review status: criteria provided, single submitter. Criteria: Invitae Variant Classification Sherloc (09022015). Collection method: clinical testing. Allele origin: germline.
Comment: This sequence change creates a premature translational stop signal (p.Glu17437Aspfs*2) in the TTN gene. While this is not anticipated to result in nonsense mediated decay, it is expected to create a truncated TTN protein. This variant is not present in population databases (gnomAD no frequency). This premature translational stop signal has been observed in individual(s) with clinical features of autosomal dominant TTN-related conditions (internal data). In at least one individual the variant was observed to be de novo. ClinVar contains an entry for this variant (Variation ID: 202450). This variant is located in the A band of TTN (PMID: 25589632). Truncating variants in this region are significantly overrepresented in patients affected with dilated cardiomyopathy (PMID: 25589632). Truncating variants in this region have also been reported in individuals affected with autosomal recessive centronuclear myopathy (PMID: 23975875). For these reasons, this variant has been classified as Pathogenic.

Blueprint Genetics
Classification: Pathogenic for TTN-related disorders. Last evaluated: 2024-04-18. Review status: criteria provided, single submitter. Criteria: ACMG Guidelines, 2015. Collection method: clinical testing. Allele origin: germline. Affected: yes. Observed: 1 variant allele.

Ambry Genetics
Classification: Pathogenic for Cardiovascular phenotype. Last evaluated: 2023-03-17. Review status: criteria provided, single submitter. Criteria: Ambry Variant Classification Scheme 2023. Collection method: clinical testing. Allele origin: germline.
Comment: The c.25112_25115dupTTGA pathogenic mutation, located in coding exon 101 of the TTN gene, results from a duplication of TTGA at nucleotide position 25112, causing a translational frameshift with a predicted alternate stop codon (p.E8372Dfs*2). This exon is located in the A-band region of the N2-B isoform of the titin protein and is constitutively expressed in TTN transcripts (percent spliced in or PSI 100%). This alteration (also noted as NM_001267550.1: c.52307_52310dupTTGA (E17437Dfs*2)) has been reported in association with dilated cardiomyopathy (DCM) (Jansen M et al. Circ Genom Precis Med, 2019 May;12:e002436; Augusto JB et al. Eur Heart J Cardiovasc Imaging, 2020 Mar;21:326-336; Nguyen TV et al. Circ J, 2021 Aug;85:1469-1478). In addition, this variant is considered to be rare based on population cohorts in the Genome Aggregation Database (gnomAD). This alteration is expected to result in loss of function by premature protein truncation or nonsense-mediated mRNA decay. While truncating variants in TTN are present in 1-3% of the general population, truncating variants in the A-band are the most common cause of dilated cardiomyopathy (DCM) (Herman DS et al. N. Engl. J. Med., 2012 Feb;366:619-28; Roberts AM et al. Sci Transl Med, 2015 Jan;7:270ra6). TTN truncating variants encoded in constitutive exons (PSI >90%) have been found to be significantly associated with DCM regardless of their position in titin (Schafer S et al. Nat. Genet., 2017 01;49:46-53). Based on the supporting evidence, this alteration is interpreted as a disease-causing mutation.

Labcorp Genetics (formerly Invitae), Labcorp
Classification: Pathogenic for Dilated cardiomyopathy 1G. Last evaluated: 2016-08-30. Review status: criteria provided, single submitter. Criteria: Invitae Variant Classification Sherloc (09022015). Collection method: clinical testing. Allele origin: germline.
Comment: This sequence change inserts 4 nucleotides in exon 274 of the TTN mRNA (c.52307_52310dupTTGA), causing a frameshift at codon 17437. This creates a premature translational stop signal (p.Glu17437Aspfs*2). While this is not anticipated to result in nonsense mediated decay, it is expected to result in a truncated TTN protein. This variant is found in the A-band of this gene. While this particular variant has not been reported in the literature, truncating variants in the A-band of TTN are significantly overrepresented in patients with dilated cardiomyopathy and are considered to be likely pathogenic for the disease (PMID: 25589632). ClinVar contains an entry for this variant (Variation ID: 202450). For these reasons, this variant has been classified as Pathogenic.

Stanford Center for Inherited Cardiovascular Disease, Stanford University
Classification: Likely pathogenic. Last evaluated: 2016-07-12. Review status: criteria provided, single submitter. Criteria: ACMG Guidelines, 2015. Collection method: provider interpretation. Allele origin: germline.

GeneDx
Classification: Pathogenic. Last evaluated: 2014-06-16. Review status: criteria provided, single submitter. Criteria: GeneDx Variant Classification (06012015). Collection method: clinical testing. Allele origin: germline. Affected: yes.
Comment: p.Glu15796AspfsX2 (E15796DfsX2) : c.47384_47387dupTTGA in exon 224 of the TTN gene (NM_001256850.1). The normal sequence with the bases that are duplicated in braces is: CTGA{TTGA}AGGA. Although the c.47384_47387dupTTGA mutation in the TTN gene has not been reported to our knowledge, this mutation causes a shift in reading frame starting at codon Glutamic acid 15796, changing it to an Aspartic acid, and creating a premature stop codon at position 2 of the new reading frame, denoted p.Glu15796AspfsX2. This mutation is expected to result in either an abnormal, truncated protein product or loss of protein from this allele through nonsense-mediated mRNA decay. Other truncating TTN variants have been reported in approximately 3% of control alleles (Herman D et al., 2012). However, c.47384_47387dupTTGA is located in the A- band region of titin, where the majority of truncating mutations associated with DCM have been reported (Herman D et al., 2012). The variant is found in TTN panel(s).

KTest Genetics, KTest
Classification: Pathogenic for Dilated cardiomyopathy 1G. Review status: no assertion criteria provided. Criteria: ACMG Guidelines, 2015. Collection method: clinical testing. Allele origin: germline. Affected: yes. Not counted in ClinVar's aggregate classification.

Literature cited by the submitters: PubMed 25589632 (cited by Labcorp Genetics (formerly Invitae), Labcorp); PubMed 23975875 (cited by Labcorp Genetics (formerly Invitae), Labcorp); PubMed 31112426 (cited by Ambry Genetics); PubMed 31317183 (cited by Ambry Genetics); PubMed 34011823 (cited by Ambry Genetics).